The following is an entry in ClinVar:

ClinVar aggregate classification (germline): Uncertain significance. Review status: criteria provided, single submitter (1 of 4 stars). 2 submissions from 2 submitters: Uncertain significance (1). 1 of the submissions does not count toward it. Last evaluated 2021-10-15.

Conditions:
Microcephaly. Also called: Microcephaly (disease). Identifiers: MedGen C4551563, MONDO:0001149, HP:0000252.
Severe intellectual disability. Identifiers: MedGen C0036857, HP:0010864.
Seizure. Also called: Seizures. Identifiers: MedGen C0036572, HP:0001250.
Neurodevelopmental disorder with microcephaly, movement abnormalities, and seizures (NEDMIMS). Identifiers: MedGen C5774208, MONDO:0859282, OMIM 620023.

Submissions (2):

Institute of Human Genetics, University of Leipzig Medical Center
Classification: Uncertain significance for Severe intellectual disability; Seizure; Microcephaly. Last evaluated: 2021-10-15. Review status: criteria provided, single submitter. Criteria: ACMG Guidelines, 2015. Collection method: research. Allele origin: germline. Affected: yes.
Comment: Criteria applied: PVS1_Supporting, PM2_Supporting Although this variant is very likely disease causing, it has to be classified as of uncertain significance using the ACMG criteria. CHKA has no known alternative start codons in other transcripts. The next possible start codon (methionine) occurs at amino acid position 123 (removing around 26% percent of the protein) and therefore likely significantly impairs protein function.

OMIM
Classification: Pathogenic for NEURODEVELOPMENTAL DISORDER WITH MICROCEPHALY, MOVEMENT ABNORMALITIES, AND SEIZURES. Last evaluated: 2022-09-02. Review status: no assertion criteria provided. Collection method: literature only. Allele origin: germline. Not counted in ClinVar's aggregate classification.

Literature cited by the submitters: DOI 10.1101/2021.10.21.21265050 (cited by Institute of Human Genetics, University of Leipzig Medical Center); PubMed 35202461 (cited by OMIM).

NM_001277.3(CHKA):c.2T>C (p.Met1Thr)

Gene: CHKA (choline kinase alpha; minus strand). Cytogenetic location: 11q13.2.
Variant type: single nucleotide variant.
Coding change: c.2T>C on transcript NM_001277.3 (MANE Select); coding-DNA position 2, T replaced by C.
Protein change: p.Met1Thr; changes the start codon (methionine 1).
Molecular consequence: missense variant, initiator codon variant. On other transcripts: 5 prime UTR variant (2), non-coding transcript variant (1).
Genome position (GRCh38, 1-based): chr11:68,121,176, A>G on the plus strand (T>C on the coding strand, the complement: CHKA is on the minus strand). VCF-style: chr11-68121176-A-G. GRCh37 (hg19) VCF-style: chr11-67888643-A-G.
Other names: c.2T>C, p.Met1Thr (NM_001376219.1, NM_001376220.1, NM_212469.2); c.-363T>C (NM_001376221.1, NM_001376222.1); short protein forms M1T.
Identifiers: ClinVar variation 1325849 (VCV001325849.4), dbSNP rs2153034846, ClinGen allele CA381576492.